The following is an entry in ClinVar:

ClinVar aggregate classification (germline): Benign/Likely benign. Review status: criteria provided, multiple submitters, no conflicts (2 of 4 stars). 4 submissions from 4 submitters: Benign (2); Likely benign (2). Last evaluated 2025-09-11.

Allele frequency attached by ClinVar (database versions not stated): gnomAD 0.00081 and 0.00085; 1000 Genomes Project 0.00100; TOPMed 0.00102; ESP Exome Variant Server 0.00115; ExAC 0.00120; gnomAD exomes 0.00133 and 0.00148; 1000 Genomes Project 30x 0.00141.
gnomAD v4.1: 2,339 of 1,614,158 alleles (0.14%); highest among the groups gnomAD compares: Middle Eastern, 0.51%; 7 homozygotes.

Submissions (4):

Labcorp Genetics (formerly Invitae), Labcorp
Classification: Benign. Last evaluated: 2025-09-11. Review status: criteria provided, single submitter. Criteria: Invitae Variant Classification Sherloc (09022015). Collection method: clinical testing. Allele origin: germline.

CeGaT Center for Human Genetics Tuebingen
Classification: Likely benign. Last evaluated: 2025-07-01. Review status: criteria provided, single submitter. Criteria: CeGaT Center For Human Genetics Tuebingen Variant Classification Criteria Version 2. Collection method: clinical testing. Allele origin: germline. Affected: yes. Observed: 3 variant alleles.
Comment: RNF213: BP4, BS2

Blueprint Genetics
Classification: Likely benign. Last evaluated: 2024-11-22. Review status: criteria provided, single submitter. Criteria: ACMG Guidelines, 2015. Collection method: clinical testing. Allele origin: germline.

Breakthrough Genomics
Classification: Benign. Review status: criteria provided, single submitter. Criteria: ACMG Guidelines, 2015. Collection method: not provided. Allele origin: germline. Inheritance: Autosomal dominant inheritance. Affected: yes.

NM_001256071.3(RNF213):c.14784C>T (p.Asp4928=)

Genes: RNF213 (ring finger protein 213; plus strand), RNF213-AS1 (RNF213 antisense RNA 1; minus strand). Cytogenetic location: 17q25.3.
Variant type: single nucleotide variant.
Coding change: c.14784C>T on transcript NM_001256071.3 (MANE Select); coding-DNA position 14784, C replaced by T.
Protein change: p.Asp4928=; no amino-acid change (aspartic acid 4928 retained).
Molecular consequence: synonymous variant.
Genome position (GRCh38, 1-based): chr17:80,386,753, C>T. VCF-style: chr17-80386753-C-T. GRCh37 (hg19) VCF-style: chr17-78360553-C-T.
Identifiers: ClinVar variation 721772 (VCV000721772.21), dbSNP rs147131622, ClinGen allele CA8823087.